The following is an entry in ClinVar:

ClinVar aggregate classification (germline): Benign (1 of 4 stars; one submission).

Conditions:
Familial benign pemphigus (HHD). Identifiers: Orphanet 2841, MedGen C0085106, MONDO:0008218, OMIM 169600.

Allele frequency attached by ClinVar (database versions not stated): ESP Exome Variant Server 0.00008; ExAC 0.00011; gnomAD 0.00011; TOPMed 0.00012; gnomAD exomes 0.00014 and 0.00023.
gnomAD v4.1: 371 of 1,613,926 alleles (0.023%); highest among the groups gnomAD compares: Non-Finnish European, 0.029%; no homozygotes.

Submission:

Illumina Laboratory Services, Illumina
Classification: Benign for Familial benign pemphigus. Last evaluated: 2018-01-13. Review status: criteria provided, single submitter. Criteria: ICSL Variant Classification Criteria 13 December 2019. Collection method: clinical testing. Allele origin: germline.
Comment: This variant was observed in the ICSL laboratory as part of a predisposition screen in an ostensibly healthy population. It had not been previously curated by ICSL or reported in the Human Gene Mutation Database (HGMD: prior to June 1st, 2018), and was therefore a candidate for classification through an automated scoring system. Utilizing variant allele frequency, disease prevalence and penetrance estimates, and inheritance mode, an automated score was calculated to assess if this variant is too frequent to cause the disease. Based on the score and internal cut-off values, a variant classified as benign is not then subjected to further curation. The score for this variant resulted in a classification of benign for this disease.

NM_001378687.1(ATP2C1):c.2057+7T>A

Gene: ATP2C1 (ATPase secretory pathway Ca2+ transporting 1; plus strand). Cytogenetic location: 3q22.1.
Variant type: single nucleotide variant.
Coding change: c.2057+7T>A on transcript NM_001378687.1 (MANE Select); 7 bases into the intron after coding-DNA position 2057, T replaced by A.
Molecular consequence: intron variant.
Genome position (GRCh38, 1-based): chr3:130,994,105, T>A. VCF-style: chr3-130994105-T-A. GRCh37 (hg19) VCF-style: chr3-130712949-T-A.
Other names: c.2159+7T>A (NM_001378511.1, NM_001199180.2, NM_001199181.3); c.2042+7T>A (NM_001199182.2); c.2057+7T>A (NM_001001486.2, NM_001001487.2, NM_001001485.3 and 5 more transcripts); c.2009+7T>A (NM_001378514.1, NM_001199183.2, NM_001199184.3).
Identifiers: ClinVar variation 343331 (VCV000343331.5), dbSNP rs368071107, ClinGen allele CA2615278.
Genomic context (GRCh38, chr3:130,994,105, plus strand): 5'-TTGCAAAGAGGCAGCAGACATGATCCTAGTGGATGATGATTTTCAAACCATAATGTAAGC[T>A]TTGTTTCAGTGAATGCCTATCAGAGAATCTTCCCCTATCCTTTCCTGTCCCCCACCCCTA-3'